The following is an entry in ClinVar:

NM_006371.5(CRTAP):c.40C>G (p.Leu14Val)

Genes: CRTAP (cartilage associated protein; plus strand), LOC129936436 (ATAC-STARR-seq lymphoblastoid silent region 14183; plus strand). Cytogenetic location: 3p22.3.
Variant type: single nucleotide variant.
Coding change: c.40C>G on transcript NM_006371.5 (MANE Select); coding-DNA position 40, C replaced by G.
Protein change: p.Leu14Val; replaces leucine 14 with valine.
Molecular consequence: missense variant.
Genome position (GRCh38, 1-based): chr3:33,114,117, C>G. VCF-style: chr3-33114117-C-G. GRCh37 (hg19) VCF-style: chr3-33155609-C-G.
Other names: c.40C>G, p.Leu14Val (NM_001393363.1, NM_001393364.1, NM_001393365.1); c.40C>G (NM_006371.4); short protein forms L14V.
Identifiers: ClinVar variation 1359400 (VCV001359400.5), dbSNP rs909805285, ClinGen allele CA72699042.
Genomic context (GRCh38, chr3:33,114,117, plus strand): 5'-TCCTTCCTTTCGCCGGGCGCGATGGAGCCGGGGCGCCGGGGGGCCGCGGCGCTGCTAGCG[C>G]TGCTGTGCGTGGCCTGCGCGCTGCGCGCCGGGCGCGCCCAATACGAACGCTACAGCTTCC-3'
Protein context (NP_006362.1, residues 4-24): GRRGAAALLA[Leu14Val]LCVACALRAG

ClinVar aggregate classification (germline): Uncertain significance. Review status: criteria provided, multiple submitters, no conflicts (2 of 4 stars). 2 submissions from 2 submitters: Uncertain significance (2). Last evaluated 2023-10-04.

Conditions:
Inborn genetic diseases. Identifiers: MedGen C0950123, MeSH D030342.
Osteogenesis imperfecta type 7 (OI7). Also called: OSTEOGENESIS IMPERFECTA, TYPE IIB; Osteogenesis imperfecta type 2B; OI type 2B; Osteogenesis imperfecta, perinatal lethal autosomal recessive; OI type IIB; OI type 7. Identifiers: MedGen C1853162, MONDO:0012536, OMIM 610682.

gnomAD v4.1: 2 of 1,532,460 alleles (0.00013%); highest among the groups gnomAD compares: Non-Finnish European, 0.00017%; no homozygotes.

Submissions (2):

Labcorp Genetics (formerly Invitae), Labcorp
Classification: Uncertain significance for Osteogenesis imperfecta type 7. Last evaluated: 2023-10-04. Review status: criteria provided, single submitter. Criteria: Invitae Variant Classification Sherloc (09022015). Collection method: clinical testing. Allele origin: germline.
Comment: This sequence change replaces leucine, which is neutral and non-polar, with valine, which is neutral and non-polar, at codon 14 of the CRTAP protein (p.Leu14Val). This variant is not present in population databases (gnomAD no frequency). This variant has not been reported in the literature in individuals affected with CRTAP-related conditions. ClinVar contains an entry for this variant (Variation ID: 1359400). Algorithms developed to predict the effect of missense changes on protein structure and function output the following: SIFT: "Not Available"; PolyPhen-2: "Not Available"; Align-GVGD: "Not Available". The valine amino acid residue is found in multiple mammalian species, which suggests that this missense change does not adversely affect protein function. In summary, the available evidence is currently insufficient to determine the role of this variant in disease. Therefore, it has been classified as a Variant of Uncertain Significance.

Ambry Genetics
Classification: Uncertain significance for Inborn genetic diseases. Last evaluated: 2023-10-02. Review status: criteria provided, single submitter. Criteria: Ambry Variant Classification Scheme 2023. Collection method: clinical testing. Allele origin: germline.